The following is an entry in ClinVar:

NM_000368.5(TSC1):c.2286T>C (p.Asn762=)

Gene: TSC1 (TSC complex subunit 1; minus strand). Cytogenetic location: 9q34.13.
Variant type: single nucleotide variant.
Coding change: c.2286T>C on transcript NM_000368.5 (MANE Select); coding-DNA position 2286, T replaced by C.
Protein change: p.Asn762=; no amino-acid change (asparagine 762 retained).
Molecular consequence: synonymous variant.
Genome position (GRCh38, 1-based): chr9:132,902,710, A>G on the plus strand (T>C on the coding strand, the complement: TSC1 is on the minus strand). VCF-style: chr9-132902710-A-G. GRCh37 (hg19) VCF-style: chr9-135778097-A-G.
Other names: c.2283T>C, p.Asn761= (NM_001162426.2); c.2133T>C, p.Asn711= (NM_001162427.2); c.1923T>C, p.Asn641= (NM_001362177.2).
Identifiers: ClinVar variation 466073 (VCV000466073.13), dbSNP rs1554815010, ClinGen allele CA467590569.
Genomic context (GRCh38, chr9:132,902,710, plus strand): 5'-CAGCTGTCTGATCTGGCTGTGGAGCTTGGTTACCATAGTGTCACGCTGCTCCTGGAGCTG[A>G]TTGTATCTAGCTTGTTCTTTCTGCAGACTAACCTTCCACATCTGGATGTCCTTCTCTTGT-3'
Protein context (NP_000359.1, residues 752-772): VSLQKEQARY[Asn762=]QLQEQRDTMV

ClinVar aggregate classification (germline): Benign/Likely benign. Review status: criteria provided, multiple submitters, no conflicts (2 of 4 stars). 4 submissions from 4 submitters: Benign (1); Likely benign (3). Last evaluated 2026-04-13.

Conditions:
Hereditary cancer-predisposing syndrome. Also called: Tumor predisposition; Hereditary neoplastic syndrome; Neoplastic Syndromes, Hereditary; Hereditary Cancer Syndrome. Identifiers: Orphanet 140162, MedGen C0027672, MeSH D009386, MONDO:0015356.
Tuberous sclerosis syndrome (TSC). Also called: Tuberous Sclerosis Complex; Tuberous sclerosis. Identifiers: Orphanet 805, MedGen C0041341, MONDO:0001734.
Tuberous sclerosis 1 (TSC1). Identifiers: Orphanet 805, MedGen C1854465, MONDO:0008612, OMIM 191100.

Submissions (4):

Ambry Genetics
Classification: Likely benign for Hereditary cancer-predisposing syndrome. Last evaluated: 2026-04-13. Review status: criteria provided, single submitter. Criteria: Ambry Variant Classification Scheme 2023. Collection method: clinical testing. Allele origin: germline.

Myriad Genetics, Inc.
Classification: Benign for Tuberous sclerosis 1. Last evaluated: 2025-04-24. Review status: criteria provided, single submitter. Criteria: Myriad Autosomal Dominant, Autosomal Recessive and X-Linked Classification Criteria (2023). Collection method: clinical testing. Allele origin: unknown.
Comment: This variant is considered benign. This variant is a silent/synonymous amino acid change and it is not expected to impact splicing.

All of Us Research Program, National Institutes of Health
Classification: Likely benign for Tuberous sclerosis syndrome. Last evaluated: 2023-07-22. Review status: criteria provided, single submitter. Criteria: ACMG Guidelines, 2015. Collection method: clinical testing. Allele origin: germline. Inheritance: Autosomal dominant inheritance. Observed: 1 variant allele, 1 heterozygote.
Comment: This study involves interpretation of variants in research participants for the purpose of population health screening. Participant phenotype was not available at the time of variant classification. Additional details can be found in publication PMID: 35346344, PMCID: PMC8962531

Labcorp Genetics (formerly Invitae), Labcorp
Classification: Likely benign for Tuberous sclerosis 1. Last evaluated: 2022-03-05. Review status: criteria provided, single submitter. Criteria: Invitae Variant Classification Sherloc (09022015). Collection method: clinical testing. Allele origin: germline.